The following is an entry in ClinVar:

ClinVar aggregate classification (germline): Pathogenic/Likely pathogenic. Review status: criteria provided, multiple submitters, no conflicts (2 of 4 stars). 2 submissions from 2 submitters: Pathogenic (1); Likely pathogenic (1). Last evaluated 2025-06-26.

Submissions (2):

Dasa
Classification: Likely pathogenic. Last evaluated: 2025-06-26. Review status: criteria provided, single submitter. Criteria: DASA Assertion Criteria. Collection method: clinical testing. Allele origin: germline.
Comment: NM_130466.4(UBE3B):c.1443dup (p.Leu482Thrfs*8) is a frameshift variant in UBE3B predicted to alter the reading frame and introduce a premature termination codon and is predicted to result in an absent or altered protein product. Loss of function is an established disease mechanism for UBE3B-associated disorders. Also, this variant is rare in population databases. Based on the currently available evidence, this variant is classified as likely pathogenic.

Labcorp Genetics (formerly Invitae), Labcorp
Classification: Pathogenic. Last evaluated: 2024-07-24. Review status: criteria provided, single submitter. Criteria: Invitae Variant Classification Sherloc (09022015). Collection method: clinical testing. Allele origin: germline.
Comment: This sequence change creates a premature translational stop signal (p.Leu482Thrfs*8) in the UBE3B gene. It is expected to result in an absent or disrupted protein product. Loss-of-function variants in UBE3B are known to be pathogenic (PMID: 23687348, 24615390). This variant is not present in population databases (gnomAD no frequency). This variant has not been reported in the literature in individuals affected with UBE3B-related conditions. For these reasons, this variant has been classified as Pathogenic.

Literature cited by the submitters: PubMed 23687348 (cited by Labcorp Genetics (formerly Invitae), Labcorp); PubMed 24615390 (cited by Labcorp Genetics (formerly Invitae), Labcorp).

NM_130466.4(UBE3B):c.1443dup (p.Leu482fs)

Gene: UBE3B (ubiquitin protein ligase E3B; plus strand). Cytogenetic location: 12q24.11.
Variant type: Duplication.
Coding change: c.1443dup on transcript NM_130466.4 (MANE Select); coding-DNA position 1443, one base duplicated (A; older notation c.1443dupA).
Protein change: p.Leu482fs; shifts the reading frame from leucine 482.
Molecular consequence: frameshift variant.
Genome position (GRCh38, 1-based): chr12:109,503,183, A duplicated. VCF-style (leftmost placement, unchanged base first): chr12-109503182-T-TA. GRCh37 (hg19) VCF-style: chr12-109940987-T-TA.
Other names: c.1443dup, p.Leu482fs (NM_183415.3); short protein forms L482fs.
Identifiers: ClinVar variation 3710111 (VCV003710111.4).